The following is an entry in ClinVar:

NM_002439.5(MSH3):c.331A>G (p.Ser111Gly)

Gene: MSH3 (mutS homolog 3; plus strand). Cytogenetic location: 5q14.1.
Variant type: single nucleotide variant.
Coding change: c.331A>G on transcript NM_002439.5 (MANE Select); coding-DNA position 331, A replaced by G.
Protein change: p.Ser111Gly; replaces serine 111 with glycine.
Molecular consequence: missense variant.
Genome position (GRCh38, 1-based): chr5:80,656,504, A>G. VCF-style: chr5-80656504-A-G. GRCh37 (hg19) VCF-style: chr5-79952323-A-G.
Other names: c.331A>G (NM_002439.3); short protein forms S111G.
Identifiers: ClinVar variation 1052138 (VCV001052138.10), dbSNP rs2112801809, ClinGen allele CA360266491.
Genomic context (GRCh38, chr5:80,656,504, plus strand): 5'-TTGGAAAATGATGGGCCTGTTAAAAAGAAAGTAAAGAAAGTCCAACAAAAGGAAGGAGGA[A>G]GTGATCTGGGAATGTCTGGCAACTCTGGTGAGTTGTGGGGGATTCTTTTTTCTCCTCAGT-3'
Protein context (NP_002430.3, residues 101-121): VKKVQQKEGG[Ser111Gly]DLGMSGNSEP

ClinVar aggregate classification (germline): Uncertain significance. Review status: criteria provided, multiple submitters, no conflicts (2 of 4 stars). 2 submissions from 2 submitters: Uncertain significance (2). Last evaluated 2026-01-09.

Conditions:
Hereditary cancer-predisposing syndrome. Also called: Hereditary Cancer Syndrome; Neoplastic Syndromes, Hereditary; Tumor predisposition; Hereditary neoplastic syndrome. Identifiers: Orphanet 140162, MedGen C0027672, MeSH D009386, MONDO:0015356.

Submissions (2):

Labcorp Genetics (formerly Invitae), Labcorp
Classification: Uncertain significance. Last evaluated: 2026-01-09. Review status: criteria provided, single submitter. Criteria: Invitae Variant Classification Sherloc (09022015). Collection method: clinical testing. Allele origin: germline.
Comment: This sequence change replaces serine, which is neutral and polar, with glycine, which is neutral and non-polar, at codon 111 of the MSH3 protein (p.Ser111Gly). This variant is not present in population databases (gnomAD no frequency). This variant has not been reported in the literature in individuals affected with MSH3-related conditions. ClinVar contains an entry for this variant (Variation ID: 1052138). An algorithm developed to predict the effect of missense changes on protein structure and function outputs the following: PolyPhen-2: "Benign". The glycine amino acid residue is found in multiple mammalian species, which suggests that this missense change does not adversely affect protein function. In summary, the available evidence is currently insufficient to determine the role of this variant in disease. Therefore, it has been classified as a Variant of Uncertain Significance.

Ambry Genetics
Classification: Uncertain significance for Hereditary cancer-predisposing syndrome. Last evaluated: 2026-01-03. Review status: criteria provided, single submitter. Criteria: Ambry Variant Classification Scheme 2023. Collection method: clinical testing. Allele origin: germline.
Comment: The p.S111G variant (also known as c.331A>G), located in coding exon 2 of the MSH3 gene, results from an A to G substitution at nucleotide position 331. The serine at codon 111 is replaced by glycine, an amino acid with similar properties. This amino acid position is conserved. In addition, this alteration is predicted to be tolerated by in silico analysis. Based on the available evidence, the clinical significance of this variant remains unclear.